The following is an entry in ClinVar:

NM_174936.4(PCSK9):c.1216C>T (p.Leu406Phe)

Gene: PCSK9 (proprotein convertase subtilisin/kexin type 9; plus strand). Cytogenetic location: 1p32.3.
Variant type: single nucleotide variant.
Coding change: c.1216C>T on transcript NM_174936.4 (MANE Select); coding-DNA position 1216, C replaced by T.
Protein change: p.Leu406Phe; replaces leucine 406 with phenylalanine.
Molecular consequence: missense variant. On other transcripts: non-coding transcript variant (8), intron variant (2).
Genome position (GRCh38, 1-based): chr1:55,058,071, C>T. VCF-style: chr1-55058071-C-T. GRCh37 (hg19) VCF-style: chr1-55523744-C-T.
Other names: c.1339C>T, p.Leu447Phe (NM_001407240.1); c.1216C>T, p.Leu406Phe (NM_001407241.1); c.1219C>T, p.Leu407Phe (NM_001407242.1); c.1159C>T, p.Leu387Phe (NM_001407243.1); c.1024C>T, p.Leu342Phe (NM_001407245.1); c.841C>T, p.Leu281Phe (NM_001407246.1); c.1181-428C>T (NM_001407244.1); c.1180+557C>T (NM_001407247.1); short protein forms L406F, L407F, L281F, L387F, L447F, L342F.
Identifiers: ClinVar variation 2774055 (VCV002774055.3), dbSNP rs746767777, ClinGen allele CA340477130.

ClinVar aggregate classification (germline): Uncertain significance. Review status: criteria provided, multiple submitters, no conflicts (2 of 4 stars). 2 submissions from 2 submitters: Uncertain significance (2). Last evaluated 2024-03-06.

Conditions:
Hypercholesterolemia, autosomal dominant, 3 (FHCL3). Also called: Familial Hypercholesterolemia, Autosomal Dominant, 3; PCSK9-Related Familial Hypercholesterolemia, Autosomal Dominant; Familial hypercholesterolemia 3. Identifiers: MedGen C1863551, MONDO:0011369, OMIM 603776.
Familial hypercholesterolemia. Also called: Familial hypercholesterolemias; Familial hypercholesterolaemia. Identifiers: MedGen C0020445, MONDO:0005439.

Allele frequency attached by ClinVar (database versions not stated): gnomAD 0.00001.
gnomAD v4.1: 2 of 1,613,702 alleles (0.00012%); highest among the groups gnomAD compares: Non-Finnish European, 0.00017%; no homozygotes.

Submissions (2):

Color Diagnostics, LLC DBA Color Health
Classification: Uncertain significance for Familial hypercholesterolemia. Last evaluated: 2024-03-06. Review status: criteria provided, single submitter. Criteria: ACMG Guidelines, 2015. Collection method: clinical testing. Allele origin: germline.
Comment: This missense variant replaces leucine with phenylalanine at codon 406 of the PCSK9 protein. Computational prediction suggests that this variant may not impact protein structure and function (internally defined REVEL score threshold <= 0.5, PMID: 27666373). To our knowledge, functional studies have not been reported for this variant. This variant has not been reported in individuals affected with familial hypercholesterolemia in the literature. This variant has not been identified in the general population by the Genome Aggregation Database (gnomAD). The available evidence is insufficient to determine the role of this variant in disease conclusively. Therefore, this variant is classified as a Variant of Uncertain Significance.

All of Us Research Program, National Institutes of Health
Classification: Uncertain significance for Hypercholesterolemia, autosomal dominant, 3. Last evaluated: 2023-08-15. Review status: criteria provided, single submitter. Criteria: ACMG Guidelines, 2015. Collection method: clinical testing. Allele origin: germline. Inheritance: Autosomal dominant inheritance. Observed: 2 variant alleles, 2 heterozygotes.
Comment: This missense variant replaces leucine with phenylalanine at codon 406 of the PCSK9 protein. Computational prediction suggests that this variant may not impact protein structure and function (internally defined REVEL score threshold <= 0.5, PMID: 27666373). To our knowledge, functional studies have not been reported for this variant. This variant has not been reported in individuals affected with familial hypercholesterolemia in the literature. This variant has not been identified in the general population by the Genome Aggregation Database (gnomAD). The available evidence is insufficient to determine the role of this variant in disease conclusively. Therefore, this variant is classified as a Variant of Uncertain Significance.

This study involves interpretation of variants in research participants for the purpose of population health screening. Participant phenotype was not available at the time of variant classification. Additional details can be found in publication PMID: 35346344, PMCID: PMC8962531